The following is an entry in ClinVar:

NM_001040431.3(COA3):c.221A>T (p.Tyr74Phe)

Gene: COA3 (cytochrome c oxidase assembly factor 3; minus strand). Cytogenetic location: 17q21.2.
Variant type: single nucleotide variant.
Coding change: c.221A>T on transcript NM_001040431.3 (MANE Select); coding-DNA position 221, A replaced by T.
Protein change: p.Tyr74Phe; replaces tyrosine 74 with phenylalanine.
Molecular consequence: missense variant.
Genome position (GRCh38, 1-based): chr17:42,798,161, T>A on the plus strand (A>T on the coding strand, the complement: COA3 is on the minus strand). VCF-style: chr17-42798161-T-A. GRCh37 (hg19) VCF-style: chr17-40950179-T-A.
Other names: short protein forms Y74F.
Identifiers: ClinVar variation 1998274 (VCV001998274.4), dbSNP rs2544049598, ClinGen allele CA399674573.
Genomic context (GRCh38, chr17:42,798,161, plus strand): 5'-GCTTTGGCCTCGTCTTCTAGCTCATCTAGGAAACGCTCCTGGGAAATCGAGTAGAAGGTG[T>A]AACCATCTGGGGAGGTAGGTTCAGGAAACCACACAGAATATGCACATTCCCCTTTCCTAG-3'
Protein context (NP_001035521.1, residues 64-84): IGALVLAIYG[Tyr74Phe]TFYSISQERF

ClinVar aggregate classification (germline): Uncertain significance (1 of 4 stars; one submission).

Submission:

Labcorp Genetics (formerly Invitae), Labcorp
Classification: Uncertain significance. Last evaluated: 2022-09-01. Review status: criteria provided, single submitter. Criteria: Invitae Variant Classification Sherloc (09022015). Collection method: clinical testing. Allele origin: germline.
Comment: This variant has not been reported in the literature in individuals affected with COA3-related conditions. This variant is not present in population databases (gnomAD no frequency). This sequence change replaces tyrosine, which is neutral and polar, with phenylalanine, which is neutral and non-polar, at codon 74 of the COA3 protein (p.Tyr74Phe). Algorithms developed to predict the effect of missense changes on protein structure and function are either unavailable or do not agree on the potential impact of this missense change (SIFT: "Deleterious"; PolyPhen-2: "Possibly Damaging"; Align-GVGD: "Class C15"). In summary, the available evidence is currently insufficient to determine the role of this variant in disease. Therefore, it has been classified as a Variant of Uncertain Significance.